The following is an entry in ClinVar:

NM_001394062.1(MACF1):c.18905A>G (p.Lys6302Arg)

Gene: MACF1 (microtubule actin crosslinking factor 1; plus strand). Cytogenetic location: 1p34.3.
Variant type: single nucleotide variant.
Coding change: c.18905A>G on transcript NM_001394062.1 (MANE Select); coding-DNA position 18905, A replaced by G.
Protein change: p.Lys6302Arg; replaces lysine 6302 with arginine.
Molecular consequence: missense variant.
Genome position (GRCh38, 1-based): chr1:39,442,277, A>G. VCF-style: chr1-39442277-A-G. GRCh37 (hg19) VCF-style: chr1-39907949-A-G.
Other names: c.12728A>G, p.Lys4243Arg (NM_012090.5); short protein forms K4243R, K6302R.
Identifiers: ClinVar variation 1601503 (VCV001601503.11), dbSNP rs682351, ClinGen allele CA783990.

ClinVar aggregate classification (germline): Benign. Review status: criteria provided, multiple submitters, no conflicts (2 of 4 stars). 3 submissions from 3 submitters: Benign (2). 1 of the submissions does not count toward it. Last evaluated 2026-01-27.

Conditions:
MACF1-related disorder. Also called: MACF1-related condition.

Allele frequency attached by ClinVar (database versions not stated): gnomAD exomes 0.00100 and 0.00257; ExAC 0.00315; gnomAD 0.00967 and 0.01023; TOPMed 0.01053; 1000 Genomes Project 30x 0.01109; 1000 Genomes Project 0.01198; ESP Exome Variant Server 0.01384.
gnomAD v4.1: 3,014 of 1,607,590 alleles (0.19%); highest among the groups gnomAD compares: African/African-American, 3.4%; 42 homozygotes.

Submissions (3):

Labcorp Genetics (formerly Invitae), Labcorp
Classification: Benign. Last evaluated: 2026-01-27. Review status: criteria provided, single submitter. Criteria: Invitae Variant Classification Sherloc (09022015). Collection method: clinical testing. Allele origin: germline.

Breakthrough Genomics
Classification: Benign. Review status: criteria provided, single submitter. Criteria: ACMG Guidelines, 2015. Collection method: not provided. Allele origin: germline. Inheritance: Autosomal dominant inheritance. Affected: yes.

PreventionGenetics, part of Exact Sciences
Classification: Benign for MACF1-related condition. Last evaluated: 2024-02-21. Review status: no assertion criteria provided. Collection method: clinical testing. Allele origin: germline. Not counted in ClinVar's aggregate classification.
Comment: This variant is classified as benign based on ACMG/AMP sequence variant interpretation guidelines (Richards et al. 2015 PMID: 25741868, with internal and published modifications).